The following is an entry in ClinVar:

ClinVar aggregate classification (germline): Uncertain significance. Review status: criteria provided, multiple submitters, no conflicts (2 of 4 stars). 2 submissions from 2 submitters: Uncertain significance (2). Last evaluated 2026-01-25.

Conditions:
Emery-Dreifuss muscular dystrophy (EDMD). Also called: Scapuloperoneal syndrome, X-linked (formerly); Humeroperoneal neuromuscular disease, (formerly). Identifiers: Orphanet 261, MedGen C0410189, MONDO:0016830.

Allele frequency attached by ClinVar (database versions not stated): gnomAD exomes 0.00017; ExAC 0.00030; gnomAD 0.00035 and 0.00039; TOPMed 0.00038; ESP Exome Variant Server 0.00039.
gnomAD v4.1: 242 of 1,608,554 alleles (0.015%); highest among the groups gnomAD compares: Middle Eastern, 0.099%; no homozygotes.

Submissions (2):

Labcorp Genetics (formerly Invitae), Labcorp
Classification: Uncertain significance for Emery-Dreifuss muscular dystrophy. Last evaluated: 2026-01-25. Review status: criteria provided, single submitter. Criteria: Invitae Variant Classification Sherloc (09022015). Collection method: clinical testing. Allele origin: germline.
Comment: This sequence change replaces leucine, which is neutral and non-polar, with valine, which is neutral and non-polar, at codon 245 of the SUN1 protein (p.Leu245Val). This variant is present in population databases (rs377094306, gnomAD 0.09%), and has an allele count higher than expected for a pathogenic variant. This variant has not been reported in the literature in individuals affected with SUN1-related conditions. ClinVar contains an entry for this variant (Variation ID: 573750). An algorithm developed to predict the effect of missense changes on protein structure and function outputs the following: PolyPhen-2: "Possibly Damaging". The valine amino acid residue is found in multiple mammalian species, which suggests that this missense change does not adversely affect protein function. In summary, the available evidence is currently insufficient to determine the role of this variant in disease. Therefore, it has been classified as a Variant of Uncertain Significance.

Ambry Genetics
Classification: Uncertain significance. Last evaluated: 2021-08-19. Review status: criteria provided, single submitter. Criteria: Ambry Variant Classification Scheme 2023. Collection method: clinical testing. Allele origin: germline.

NM_001130965.3(SUN1):c.733C>G (p.Leu245Val)

Gene: SUN1 (Sad1 and UNC84 domain containing 1; plus strand). Cytogenetic location: 7p22.3.
Variant type: single nucleotide variant.
Coding change: c.733C>G on transcript NM_001130965.3 (MANE Select); coding-DNA position 733, C replaced by G.
Protein change: p.Leu245Val; replaces leucine 245 with valine.
Molecular consequence: missense variant. On other transcripts: synonymous variant (1), non-coding transcript variant (3), intron variant (12).
Genome position (GRCh38, 1-based): chr7:851,458, C>G. VCF-style: chr7-851458-C-G. GRCh37 (hg19) VCF-style: chr7-891095-C-G.
Other names: c.733C>G, p.Leu245Val (NM_001367633.1, NM_001367634.1, NM_001367653.1 and 3 more transcripts); c.387C>G, p.Pro129= (NM_001367635.1); c.976C>G, p.Leu326Val (NM_001367636.1, NM_001367655.1, NM_001367666.1 and 1 more transcripts); c.844C>G, p.Leu282Val (NM_001367638.1, NM_001367664.1, NM_001367685.1 and 1 more transcripts); c.277C>G, p.Leu93Val (NM_001367639.1); c.1015C>G, p.Leu339Val (NM_001367641.1, NM_001367682.1, NM_001367698.1); c.928C>G, p.Leu310Val (NM_001367643.1, NM_001367693.1, NM_001367697.1); c.667C>G, p.Leu223Val (NM_001367644.1, NM_001367680.1, NM_001367701.1); and 24 more; short protein forms L245V, L195V, L223V, L232V, L260V, L273V, L289V, L326V.
Identifiers: ClinVar variation 573750 (VCV000573750.10), dbSNP rs377094306, ClinGen allele CA4111899.